The following is an entry in ClinVar:

NM_000540.3(RYR1):c.7873C>T (p.Arg2625Cys)

Gene: RYR1 (ryanodine receptor 1; plus strand). Cytogenetic location: 19q13.2.
Variant type: single nucleotide variant.
Coding change: c.7873C>T on transcript NM_000540.3 (MANE Select); coding-DNA position 7873, C replaced by T.
Protein change: p.Arg2625Cys; replaces arginine 2625 with cysteine.
Molecular consequence: missense variant.
Genome position (GRCh38, 1-based): chr19:38,502,917, C>T. VCF-style: chr19-38502917-C-T. GRCh37 (hg19) VCF-style: chr19-38993557-C-T.
Other names: c.7873C>T, p.Arg2625Cys (NM_001042723.2); short protein forms R2625C.
Identifiers: ClinVar variation 575350 (VCV000575350.10), dbSNP rs377686237, ClinGen allele CA070926.

ClinVar aggregate classification (germline): Uncertain significance. Review status: criteria provided, multiple submitters, no conflicts (2 of 4 stars). 4 submissions from 4 submitters: Uncertain significance (4). Last evaluated 2025-09-22.

Conditions:
RYR1-related disorder. Also called: RYR1-related condition; RYR1-related disorders. Identifiers: MedGen CN239331.
Malignant hyperthermia, susceptibility to, 1 (MHS1). Also called: RYR1-Related Malignant Hyperthermia Susceptibility; Anesthesia related hyperthermia; Malignant hyperpyrexia; Fulminating hyperpyrexia; Pharmacogenic myopathy; Malignant hyperthermia suceptibility 1. Identifiers: Orphanet 423, MedGen C2930980, MONDO:0007783, OMIM 145600.

Allele frequency attached by ClinVar (database versions not stated): ESP Exome Variant Server 0.00008; ExAC 0.00003; gnomAD 0.00001; TOPMed 0.00002; gnomAD exomes 0.00002.
gnomAD v4.1: 27 of 1,611,690 alleles (0.0017%); highest among the groups gnomAD compares: Middle Eastern, 0.016%; no homozygotes.

Submissions (4):

GeneDx
Classification: Uncertain significance. Last evaluated: 2025-09-22. Review status: criteria provided, single submitter. Criteria: GeneDx Variant Classification Process June 2021. Collection method: clinical testing. Allele origin: germline.
Comment: Identified in a patient with malignant hyperthermia predisposition, however, the patient harbors a second RYR1 variant (Kanzaki et al. 2022. Hiroshima Journal of Medical Sciences. 71 (31):8); Reported in a patient with a suspected history of malignant hyperthermia (PMID: 40869992); Not observed at significant frequency in large population cohorts (gnomAD); In silico analysis supports that this missense variant has a deleterious effect on protein structure/function; This variant is associated with the following publications: (PMID: KANZAKI_2022, 40869992)

Color Diagnostics, LLC DBA Color Health
Classification: Uncertain significance for Malignant hyperthermia, susceptibility to, 1. Last evaluated: 2025-08-24. Review status: criteria provided, single submitter. Criteria: ACMG Guidelines, 2015. Collection method: clinical testing. Allele origin: germline.
Comment: This missense variant replaces arginine with cysteine at codon 2625 of the RYR1 protein. Computational prediction suggests that this variant may have deleterious impact on protein structure and function. To our knowledge, functional studies have not been reported for this variant. This variant has not been reported in individuals affected with RYR1-related disorders in the literature. This variant has been identified in 5/249880 chromosomes in the general population by the Genome Aggregation Database (gnomAD). The available evidence is insufficient to determine the role of this variant in disease conclusively. Therefore, this variant is classified as a Variant of Uncertain Significance.

Labcorp Genetics (formerly Invitae), Labcorp
Classification: Uncertain significance for RYR1-related disorder. Last evaluated: 2025-04-07. Review status: criteria provided, single submitter. Criteria: Invitae Variant Classification Sherloc (09022015). Collection method: clinical testing. Allele origin: germline.
Comment: This sequence change replaces arginine, which is basic and polar, with cysteine, which is neutral and slightly polar, at codon 2625 of the RYR1 protein (p.Arg2625Cys). This variant is present in population databases (rs377686237, gnomAD 0.01%). This variant has not been reported in the literature in individuals affected with RYR1-related conditions. ClinVar contains an entry for this variant (Variation ID: 575350). Invitae Evidence Modeling of protein sequence and biophysical properties (such as structural, functional, and spatial information, amino acid conservation, physicochemical variation, residue mobility, and thermodynamic stability) indicates that this missense variant is not expected to disrupt RYR1 protein function with a negative predictive value of 80%. In summary, the available evidence is currently insufficient to determine the role of this variant in disease. Therefore, it has been classified as a Variant of Uncertain Significance.

PreventionGenetics, part of Exact Sciences
Classification: Uncertain significance. Last evaluated: 2018-07-23. Review status: criteria provided, single submitter. Criteria: ACMG Guidelines, 2015. Collection method: clinical testing. Allele origin: germline.